The following is an entry in ClinVar:

ClinVar aggregate classification (germline): Uncertain significance. Review status: criteria provided, multiple submitters, no conflicts (2 of 4 stars). 2 submissions from 2 submitters: Uncertain significance (2). Last evaluated 2021-11-12.

Conditions:
Inborn genetic diseases. Identifiers: MedGen C0950123, MeSH D030342.
Autosomal recessive severe congenital neutropenia due to CSF3R deficiency. Also called: Neutropenia, severe congenital, 7, autosomal recessive. Identifiers: Orphanet 420702, MedGen C4310764, MONDO:0014865, OMIM 617014.

gnomAD v4.1: 3 of 1,614,164 alleles (0.00019%); highest among the groups gnomAD compares: Non-Finnish European, 0.00025%; no homozygotes.

Submissions (2):

Ambry Genetics
Classification: Uncertain significance for Inborn genetic diseases. Last evaluated: 2021-11-12. Review status: criteria provided, single submitter. Criteria: Ambry Variant Classification Scheme 2023. Collection method: clinical testing. Allele origin: germline.

Labcorp Genetics (formerly Invitae), Labcorp
Classification: Uncertain significance for Autosomal recessive severe congenital neutropenia due to CSF3R deficiency. Last evaluated: 2021-04-23. Review status: criteria provided, single submitter. Criteria: Invitae Variant Classification Sherloc (09022015). Collection method: clinical testing. Allele origin: germline.
Comment: This variant is not present in population databases (ExAC no frequency). This sequence change replaces arginine with cysteine at codon 269 of the CSF3R protein (p.Arg269Cys). The arginine residue is highly conserved and there is a large physicochemical difference between arginine and cysteine. This variant has not been reported in the literature in individuals with CSF3R-related conditions. Algorithms developed to predict the effect of missense changes on protein structure and function (SIFT, PolyPhen-2, Align-GVGD) all suggest that this variant is likely to be disruptive, but these predictions have not been confirmed by published functional studies and their clinical significance is uncertain. In summary, the available evidence is currently insufficient to determine the role of this variant in disease. Therefore, it has been classified as a Variant of Uncertain Significance.

NM_000760.4(CSF3R):c.805C>T (p.Arg269Cys)

Gene: CSF3R (colony stimulating factor 3 receptor; minus strand). Cytogenetic location: 1p34.3.
Variant type: single nucleotide variant.
Coding change: c.805C>T on transcript NM_000760.4 (MANE Select); coding-DNA position 805, C replaced by T.
Protein change: p.Arg269Cys; replaces arginine 269 with cysteine.
Molecular consequence: missense variant.
Genome position (GRCh38, 1-based): chr1:36,472,555, G>A on the plus strand (C>T on the coding strand, the complement: CSF3R is on the minus strand). VCF-style: chr1-36472555-G-A. GRCh37 (hg19) VCF-style: chr1-36938156-G-A.
Other names: c.805C>T (NM_000760.3); c.805C>T, p.Arg269Cys (NM_156039.3, NM_172313.3); short protein forms R269C.
Identifiers: ClinVar variation 1485698 (VCV001485698.9), dbSNP rs2124123972, ClinGen allele CA339422785.